The following is an entry in ClinVar:

ClinVar aggregate classification (germline): Uncertain significance. Review status: criteria provided, multiple submitters, no conflicts (2 of 4 stars). 2 submissions from 2 submitters: Uncertain significance (2). Last evaluated 2022-08-19.

Conditions:
Charcot-Marie-Tooth disease recessive intermediate C. Also called: CHARCOT-MARIE-TOOTH NEUROPATHY, RECESSIVE INTERMEDIATE C. Identifiers: Orphanet 369867, MedGen C3809309, MONDO:0014154, OMIM 615376.
Neuronopathy, distal hereditary motor, autosomal recessive 4. Also called: NEUROPATHY, DISTAL HEREDITARY MOTOR, AUTOSOMAL RECESSIVE 4; Autosomal recessive lower motor neuron disease with childhood onset. Identifiers: Orphanet 206580, MedGen C1970211, MONDO:0012608, OMIM 611067.

Allele frequency attached by ClinVar (database versions not stated): ExAC 0.00001; gnomAD 0.00001; gnomAD exomes 0.00001; TOPMed 0.00002; ESP Exome Variant Server 0.00008.
gnomAD v4.1: 5 of 1,613,812 alleles (0.00031%); highest among the groups gnomAD compares: Non-Finnish European, 0.00042%; no homozygotes.

Submissions (2):

Blueprint Genetics
Classification: Uncertain significance. Last evaluated: 2022-08-19. Review status: criteria provided, single submitter. Criteria: ACMG Guidelines, 2015. Collection method: clinical testing. Allele origin: germline.

Labcorp Genetics (formerly Invitae), Labcorp
Classification: Uncertain significance for Neuronopathy, distal hereditary motor, autosomal recessive 4; Charcot-Marie-Tooth disease recessive intermediate C. Last evaluated: 2022-05-20. Review status: criteria provided, single submitter. Criteria: Invitae Variant Classification Sherloc (09022015). Collection method: clinical testing. Allele origin: germline.
Comment: This sequence change replaces aspartic acid, which is acidic and polar, with glycine, which is neutral and non-polar, at codon 306 of the PLEKHG5 protein (p.Asp306Gly). This variant is present in population databases (rs145340974, gnomAD 0.007%). This variant has not been reported in the literature in individuals affected with PLEKHG5-related conditions. ClinVar contains an entry for this variant (Variation ID: 965968). Algorithms developed to predict the effect of missense changes on protein structure and function are either unavailable or do not agree on the potential impact of this missense change (SIFT: "Deleterious"; PolyPhen-2: "Benign"; Align-GVGD: "Class C0"). In summary, the available evidence is currently insufficient to determine the role of this variant in disease. Therefore, it has been classified as a Variant of Uncertain Significance.

NM_020631.6(PLEKHG5):c.917A>G (p.Asp306Gly)

Gene: PLEKHG5 (pleckstrin homology and RhoGEF domain containing G5; minus strand). Cytogenetic location: 1p36.31.
Variant type: single nucleotide variant.
Coding change: c.917A>G on transcript NM_020631.6 (MANE Select); coding-DNA position 917, A replaced by G.
Protein change: p.Asp306Gly; replaces aspartic acid 306 with glycine.
Molecular consequence: missense variant.
Genome position (GRCh38, 1-based): chr1:6,473,053, T>C on the plus strand (A>G on the coding strand, the complement: PLEKHG5 is on the minus strand). VCF-style: chr1-6473053-T-C. GRCh37 (hg19) VCF-style: chr1-6533113-T-C.
Other names: c.1028A>G, p.Asp343Gly (NM_001042663.3, NM_001265592.2); c.917A>G, p.Asp306Gly (NM_001042664.2, NM_001042665.2, NM_001265594.3 and 1 more transcripts); c.1124A>G, p.Asp375Gly (NM_001265593.2); short protein forms D343G, D375G, D306G.
Identifiers: ClinVar variation 965968 (VCV000965968.8), dbSNP rs145340974, ClinGen allele CA561711.